The following is an entry in ClinVar:

NM_006346.4(PIBF1):c.1448A>G (p.Gln483Arg)

Gene: PIBF1 (progesterone immunomodulatory binding factor 1; plus strand). Cytogenetic location: 13q22.1.
Variant type: single nucleotide variant.
Coding change: c.1448A>G on transcript NM_006346.4 (MANE Select); coding-DNA position 1448, A replaced by G.
Protein change: p.Gln483Arg; replaces glutamine 483 with arginine.
Molecular consequence: missense variant. On other transcripts: non-coding transcript variant (2).
Genome position (GRCh38, 1-based): chr13:72,893,909, A>G. VCF-style: chr13-72893909-A-G. GRCh37 (hg19) VCF-style: chr13-73468047-A-G.
Other names: c.1535A>G, p.Gln512Arg (NM_001349655.2); short protein forms Q483R, Q512R.
Identifiers: ClinVar variation 3418133 (VCV003418133.2).
Genomic context (GRCh38, chr13:72,893,909, plus strand): 5'-AATCTTTTGAAAGTGAGCGTGTTCAACTTCTGCAAGAGGAAACAGCAAGAAATCTCACAC[A>G]GTGTCAATTGGAATGTGAAAAATATCAGAAAAAATTGGAGGTACATGTACAAGCTTTTCT-3'
Protein context (NP_006337.2, residues 473-493): LQEETARNLT[Gln483Arg]CQLECEKYQK

ClinVar aggregate classification (germline): Uncertain significance. Review status: criteria provided, multiple submitters, no conflicts (2 of 4 stars). 2 submissions from 2 submitters: Uncertain significance (2). Last evaluated 2025-12-24.

Conditions:
Inborn genetic diseases. Identifiers: MedGen C0950123, MeSH D030342.

gnomAD v4.1: 55 of 1,608,916 alleles (0.0034%); highest among the groups gnomAD compares: Admixed American, 0.015%; no homozygotes.

Submissions (2):

Labcorp Genetics (formerly Invitae), Labcorp
Classification: Uncertain significance. Last evaluated: 2025-12-24. Review status: criteria provided, single submitter. Criteria: Invitae Variant Classification Sherloc (09022015). Collection method: clinical testing. Allele origin: germline.
Comment: This sequence change replaces glutamine, which is neutral and polar, with arginine, which is basic and polar, at codon 483 of the PIBF1 protein (p.Gln483Arg). This variant is present in population databases (rs202145606, gnomAD 0.02%). This variant has not been reported in the literature in individuals affected with PIBF1-related conditions. ClinVar contains an entry for this variant (Variation ID: 3418133). Invitae Evidence Modeling of protein sequence and biophysical properties (such as structural, functional, and spatial information, amino acid conservation, physicochemical variation, residue mobility, and thermodynamic stability) indicates that this missense variant is not expected to disrupt PIBF1 protein function with a negative predictive value of 80%. In summary, the available evidence is currently insufficient to determine the role of this variant in disease. Therefore, it has been classified as a Variant of Uncertain Significance.

Ambry Genetics
Classification: Uncertain significance for Inborn genetic diseases. Last evaluated: 2024-11-20. Review status: criteria provided, single submitter. Criteria: Ambry Variant Classification Scheme 2023. Collection method: clinical testing. Allele origin: germline.